The following is an entry in ClinVar:

ClinVar aggregate classification (germline): Pathogenic (1 of 4 stars; one submission).

Conditions:
GNPTAB-mucolipidosis. Also called: UDP-N-acetylglucosamine-1-phosphotransferase subunit alpha/beta deficiency. Identifiers: MedGen CN322573, MONDO:0100122.

Submission:

Myriad Genetics, Inc.
Classification: Pathogenic for GNPTAB-mucolipidosis. Last evaluated: 2026-05-05. Review status: criteria provided, single submitter. Criteria: Myriad Autosomal Dominant, Autosomal Recessive and X-Linked Classification Criteria (2023). Collection method: clinical testing. Allele origin: unknown.
Comment: NM_024312.4(GNPTAB):c.902delA(Y301Ffs*6) is expected to be pathogenic in the context of GNPTAB-related disorders. This variant is predicted to lead to an abnormal or absent protein product due to the creation of a premature termination codon in GNPTAB, a gene where loss-of-function variants are known to be pathogenic. Please note: this variant was assessed in the context of healthy population screening.

NM_024312.5(GNPTAB):c.902del (p.Tyr301fs)

Gene: GNPTAB (N-acetylglucosamine-1-phosphate transferase subunits alpha and beta; minus strand). Cytogenetic location: 12q23.2.
Variant type: Deletion.
Coding change: c.902del on transcript NM_024312.5 (MANE Select); coding-DNA position 902, one base deleted (A; older notation c.902delA).
Protein change: p.Tyr301fs; shifts the reading frame from tyrosine 301.
Molecular consequence: frameshift variant.
Genome position (GRCh38, 1-based): chr12:101,771,027, T deleted on the plus strand (A on the coding strand, the reverse complement: GNPTAB is on the minus strand). VCF-style (leftmost placement, unchanged base first): chr12-101771026-AT-A. GRCh37 (hg19) VCF-style: chr12-102164804-AT-A.
Other names: short protein forms Y301fs.
Identifiers: ClinVar variation 5015874 (VCV005015874.1).
Genomic context (GRCh38, chr12:101,771,026, plus strand): 5'-GGGCTGTAAAAGCTTCTGTGCATCCCTTACCTGGCTGATGGCGCTCAGATCCCATAATAA[AT>A]ATGCAGGACTTATGGTCAGTTCTTTTCCATCAATGGTCATGTTCTTCTTAGTTTGCTTAT-3'